The following is an entry in ClinVar:

ClinVar aggregate classification (germline): Benign. Review status: criteria provided, single submitter (1 of 4 stars). 3 submissions from 3 submitters: Benign (1). 2 of the submissions do not count toward it. Last evaluated 2022-02-02.

Conditions:
Intellectual developmental disorder, X-linked, syndromic, Raymond type. Also called: Syndromic X-linked intellectual disability Raymond type. Identifiers: MedGen C3275406, MONDO:0010427, OMIM 300799.

Allele frequency attached by ClinVar (database versions not stated): gnomAD 0.00480 and 0.00574; 1000 Genomes Project 30x 0.02477; TOPMed 0.00563; 1000 Genomes Project 0.02623.

Submissions (3):

Victorian Clinical Genetics Services, Murdoch Childrens Research Institute
Classification: Benign for Intellectual developmental disorder, X-linked, syndromic, Raymond type. Last evaluated: 2022-02-02. Review status: criteria provided, single submitter. Criteria: ACMG Guidelines, 2015. Collection method: clinical testing. Allele origin: germline. Inheritance: X-linked inheritance.
Comment: Based on the classification scheme VCGS_Germline_v1.3.4, this variant is classified as benign. Following criteria are met: 0308 - Population frequency for this variant is out of keeping with known incidence of X-linked syndromic intellectual disability, Raymond type (MIM#300799). (SB) Legend: (SP) - Supporting pathogenic, (I) - Information, (SB) - Supporting benign

Genome Diagnostics Laboratory, University Medical Center Utrecht
Classification: Likely benign. Review status: no assertion criteria provided. Collection method: clinical testing. Allele origin: germline. Affected: yes. Study: VKGL Data-share Consensus. Not counted in ClinVar's aggregate classification.

Laboratory of Diagnostic Genome Analysis, Leiden University Medical Center (LUMC)
Classification: Likely benign. Review status: no assertion criteria provided. Collection method: clinical testing. Allele origin: germline. Affected: yes. Study: VKGL Data-share Consensus. Not counted in ClinVar's aggregate classification.

NM_016032.4(ZDHHC9):c.-204+6G>T

Gene: ZDHHC9 (zDHHC palmitoyltransferase 9; minus strand). Cytogenetic location: Xq26.1.
Variant type: single nucleotide variant.
Coding change: c.-204+6G>T on transcript NM_016032.4 (MANE Select); 6 bases into the intron after 204 bases upstream of the start codon, G replaced by T.
Molecular consequence: intron variant.
Genome position (GRCh38, 1-based): chrX:129,843,690, C>A on the plus strand (G>T on the coding strand, the complement: ZDHHC9 is on the minus strand). VCF-style: chrX-129843690-C-A. GRCh37 (hg19) VCF-style: chrX-128977666-C-A.
Identifiers: ClinVar variation 1206182 (VCV001206182.4), dbSNP rs3747339, ClinGen allele CA335718057.